The following is an entry in ClinVar:

NM_006147.4(IRF6):c.290A>G (p.Tyr97Cys)

Gene: IRF6 (interferon regulatory factor 6; minus strand). Cytogenetic location: 1q32.2.
Variant type: single nucleotide variant.
Coding change: c.290A>G on transcript NM_006147.4 (MANE Select); coding-DNA position 290, A replaced by G.
Protein change: p.Tyr97Cys; replaces tyrosine 97 with cysteine.
Molecular consequence: missense variant.
Genome position (GRCh38, 1-based): chr1:209,796,437, T>C on the plus strand (A>G on the coding strand, the complement: IRF6 is on the minus strand). VCF-style: chr1-209796437-T-C. GRCh37 (hg19) VCF-style: chr1-209969782-T-C.
Other names: c.5A>G, p.Tyr2Cys (NM_001206696.2); short protein forms Y97C, Y2C.
Identifiers: ClinVar variation 2925311 (VCV002925311.3), dbSNP rs2464683550, ClinGen allele CA344583107.

ClinVar aggregate classification (germline): Uncertain significance (1 of 4 stars; one submission).

Conditions:
Popliteal pterygium syndrome (PPS). Identifiers: Orphanet 294963, MedGen C0265259, MONDO:0017435.
Van der Woude syndrome. Identifiers: Orphanet 888, MedGen C0175697, MONDO:0019508.
Orofacial cleft 6, susceptibility to (OFC6). Also called: CLEFT LIP WITH OR WITHOUT CLEFT PALATE, NONSYNDROMIC, 6. Identifiers: MedGen C1837213, MONDO:0012141, OMIM 608864.

Submission:

Labcorp Genetics (formerly Invitae), Labcorp
Classification: Uncertain significance for Orofacial cleft 6, susceptibility to; Van der Woude syndrome; Popliteal pterygium syndrome. Last evaluated: 2023-05-15. Review status: criteria provided, single submitter. Criteria: Invitae Variant Classification Sherloc (09022015). Collection method: clinical testing. Allele origin: germline.
Comment: This sequence change replaces tyrosine, which is neutral and polar, with cysteine, which is neutral and slightly polar, at codon 97 of the IRF6 protein (p.Tyr97Cys). This variant is not present in population databases (gnomAD no frequency). This missense change has been observed in individuals with van der Woude syndrome (PMID: 21739575, 30982524). Advanced modeling of protein sequence and biophysical properties (such as structural, functional, and spatial information, amino acid conservation, physicochemical variation, residue mobility, and thermodynamic stability) performed at Invitae indicates that this missense variant is expected to disrupt IRF6 protein function. In summary, the available evidence is currently insufficient to determine the role of this variant in disease. Therefore, it has been classified as a Variant of Uncertain Significance.

Literature cited by the submitters: PubMed 21739575; PubMed 30982524.